The following is an entry in ClinVar:

ClinVar aggregate classification (germline): Conflicting classifications of pathogenicity. Review status: criteria provided, conflicting classifications (1 of 4 stars). 2 submissions from 2 submitters: Uncertain significance (1); Likely benign (1). Last evaluated 2025-08-23.

Conditions:
Inborn genetic diseases. Identifiers: MedGen C0950123, MeSH D030342.
Dextro-looped transposition of the great arteries. Also called: Dextrotransposition of the great arteries. Identifiers: Orphanet 860, MedGen C3531771, MONDO:0019443, OMIM 608808, HP:0031348.

Allele frequency attached by ClinVar (database versions not stated): ExAC 0.00001; gnomAD 0.00003; TOPMed 0.00004.
gnomAD v4.1: 34 of 1,614,036 alleles (0.0021%); highest among the groups gnomAD compares: Admixed American, 0.005%; no homozygotes.

Submissions (2):

Ambry Genetics
Classification: Likely benign for Inborn genetic diseases. Last evaluated: 2025-08-23. Review status: criteria provided, single submitter. Criteria: Ambry Variant Classification Scheme 2023. Collection method: clinical testing. Allele origin: germline.

Labcorp Genetics (formerly Invitae), Labcorp
Classification: Uncertain significance for Dextro-looped transposition of the great arteries. Last evaluated: 2024-01-30. Review status: criteria provided, single submitter. Criteria: Invitae Variant Classification Sherloc (09022015). Collection method: clinical testing. Allele origin: germline.
Comment: This sequence change replaces tyrosine, which is neutral and polar, with cysteine, which is neutral and slightly polar, at codon 1389 of the MED13L protein (p.Tyr1389Cys). This variant is present in population databases (rs765745700, gnomAD 0.006%). This variant has not been reported in the literature in individuals affected with MED13L-related conditions. Advanced modeling of protein sequence and biophysical properties (such as structural, functional, and spatial information, amino acid conservation, physicochemical variation, residue mobility, and thermodynamic stability) performed at Invitae indicates that this missense variant is expected to disrupt MED13L protein function with a positive predictive value of 80%. In summary, the available evidence is currently insufficient to determine the role of this variant in disease. Therefore, it has been classified as a Variant of Uncertain Significance.

NM_015335.5(MED13L):c.4166A>G (p.Tyr1389Cys)

Gene: MED13L (mediator complex subunit 13L; minus strand). Cytogenetic location: 12q24.21.
Variant type: single nucleotide variant.
Coding change: c.4166A>G on transcript NM_015335.5 (MANE Select); coding-DNA position 4166, A replaced by G.
Protein change: p.Tyr1389Cys; replaces tyrosine 1389 with cysteine.
Molecular consequence: missense variant.
Genome position (GRCh38, 1-based): chr12:115,986,438, T>C on the plus strand (A>G on the coding strand, the complement: MED13L is on the minus strand). VCF-style: chr12-115986438-T-C. GRCh37 (hg19) VCF-style: chr12-116424243-T-C.
Other names: c.4166A>G (NM_015335.4); short protein forms Y1389C.
Identifiers: ClinVar variation 2740165 (VCV002740165.4), dbSNP rs765745700, ClinGen allele CA6810854.
Genomic context (GRCh38, chr12:115,986,438, plus strand): 5'-AACAAGAGCCTCTCCCAAAACGGCAAGGAGAATGGCGAGATGGTGAGGAAATCCTTGTCA[T>C]AGCCTACCAGCAGAGTGGGGATGGGCAACGGCTCAGGAGATTCTTCCGAACCTAAAATGA-3'
Protein context (NP_056150.1, residues 1379-1399): PLPIPTLLVG[Tyr1389Cys]DKDFLTISPF